The following is an entry in ClinVar:

ClinVar aggregate classification (germline): Uncertain significance (1 of 4 stars; one submission).

gnomAD v4.1: 2 of 1,599,744 alleles (0.00013%); highest among the groups gnomAD compares: Non-Finnish European, 0.00017%; no homozygotes.

Submission:

Labcorp Genetics (formerly Invitae), Labcorp
Classification: Uncertain significance. Last evaluated: 2025-06-08. Review status: criteria provided, single submitter. Criteria: Invitae Variant Classification Sherloc (09022015). Collection method: clinical testing. Allele origin: germline.
Comment: This sequence change affects a donor splice site in intron 6 of the MFAP5 gene. It is expected to disrupt RNA splicing. Variants that disrupt the donor or acceptor splice site typically lead to a loss of protein function (PMID: 16199547), however the current clinical and genetic evidence is not sufficient to establish whether loss-of-function variants in MFAP5 cause disease. The frequency data for this variant in the population databases is considered unreliable, as metrics indicate poor data quality at this position in the gnomAD database. This variant has not been reported in the literature in individuals affected with MFAP5-related conditions. Algorithms developed to predict the effect of sequence changes on RNA splicing suggest that this variant may disrupt the consensus splice site. In summary, the available evidence is currently insufficient to determine the role of this variant in disease. Therefore, it has been classified as a Variant of Uncertain Significance.

Literature cited by the submitters: PubMed 16199547.

NM_003480.4(MFAP5):c.217+1G>A

Gene: MFAP5 (microfibril associated protein 5; minus strand). Cytogenetic location: 12p13.31.
Variant type: single nucleotide variant.
Coding change: c.217+1G>A on transcript NM_003480.4 (MANE Select); the canonical splice donor site of the intron after coding-DNA position 217, G replaced by A.
Molecular consequence: splice donor variant. On other transcripts: intron variant (1).
Genome position (GRCh38, 1-based): chr12:8,654,436, C>T on the plus strand (G>A on the coding strand, the complement: MFAP5 is on the minus strand). VCF-style: chr12-8654436-C-T. GRCh37 (hg19) VCF-style: chr12-8807032-C-T.
Other names: c.181+1G>A (NM_001297710.2); c.172+979G>A (NM_001297711.2); c.217+1G>A (NM_001297712.2, NM_001297709.2).
Identifiers: ClinVar variation 4703805 (VCV004703805.1).